The following is an entry in ClinVar:

NM_001267550.2(TTN):c.101218G>A (p.Gly33740Arg)

Genes: TTN (titin; minus strand), TTN-AS1 (TTN antisense RNA 1; plus strand). Cytogenetic location: 2q31.2.
Variant type: single nucleotide variant.
Coding change: c.101218G>A on transcript NM_001267550.2 (MANE Select); coding-DNA position 101218, G replaced by A.
Protein change: p.Gly33740Arg; replaces glycine 33740 with arginine.
Molecular consequence: missense variant.
Genome position (GRCh38, 1-based): chr2:178,535,397, C>T on the plus strand (G>A on the coding strand, the complement: TTN is on the minus strand). VCF-style: chr2-178535397-C-T. GRCh37 (hg19) VCF-style: chr2-179400124-C-T.
Other names: c.96295G>A, p.Gly32099Arg (NM_001256850.1); c.74023G>A, p.Gly24675Arg (NM_003319.4); c.93514G>A, p.Gly31172Arg (NM_133378.4); c.74398G>A, p.Gly24800Arg (NM_133432.3); c.74599G>A, p.Gly24867Arg (NM_133437.4); short protein forms G33740R, G32099R, G24675R, G24867R, G31172R, G24800R.
Identifiers: ClinVar variation 466692 (VCV000466692.4), dbSNP rs536705240, ClinGen allele CA1985917.

ClinVar aggregate classification (germline): Uncertain significance. Review status: criteria provided, multiple submitters, no conflicts (2 of 4 stars). 2 submissions from 2 submitters: Uncertain significance (2). Last evaluated 2026-04-21.

Conditions:
TTN-related disorder. Also called: TTN-related condition; TTN-related disease; TTN-related disorders.
Autosomal recessive limb-girdle muscular dystrophy type 2J (LGMDR10). Also called: Limb-girdle muscular dystrophy, type 2J; MUSCULAR DYSTROPHY, LIMB-GIRDLE, AUTOSOMAL RECESSIVE 10. Identifiers: Orphanet 140922, MedGen C1837342, MONDO:0012127, OMIM 608807.
Dilated cardiomyopathy 1G (CMD1G). Identifiers: Orphanet 154, MedGen C1858763, MONDO:0011400, OMIM 604145.

Allele frequency attached by ClinVar (database versions not stated): ExAC 0.00001; gnomAD exomes 0.00001; gnomAD 0.00006 and 0.00008; TOPMed 0.00006.
gnomAD v4.1: 27 of 1,613,898 alleles (0.0017%); highest among the groups gnomAD compares: African/African-American, 0.031%; 1 homozygote.

Submissions (2):

PreventionGenetics, part of Exact Sciences
Classification: Uncertain significance for TTN-related condition. Last evaluated: 2026-04-21. Review status: criteria provided, single submitter. Criteria: ACMG Guidelines, 2015. Collection method: clinical testing. Allele origin: germline.
Comment: The TTN c.101218G>A variant is predicted to result in the amino acid substitution p.Gly33740Arg. To our knowledge, this variant has not been reported in the literature. This variant is reported in 0.025% of alleles in individuals of African descent in gnomAD. At this time, the clinical significance of this variant is uncertain due to the absence of conclusive functional and genetic evidence.

Labcorp Genetics (formerly Invitae), Labcorp
Classification: Uncertain significance for Dilated cardiomyopathy 1G; Autosomal recessive limb-girdle muscular dystrophy type 2J. Last evaluated: 2017-07-24. Review status: criteria provided, single submitter. Criteria: Invitae Variant Classification Sherloc (09022015). Collection method: clinical testing. Allele origin: germline.